The following is an entry in ClinVar:

ClinVar aggregate classification (germline): Uncertain significance (1 of 4 stars; one submission).

Conditions:
Hereditary motor and sensory neuropathy, Okinawa type (HMSNO). Also called: HEREDITARY MOTOR AND SENSORY NEUROPATHY, PROXIMAL TYPE. Identifiers: Orphanet 90117, MedGen C1858338, MONDO:0011468, OMIM 604484.
Hereditary spastic paraplegia 57. Also called: Spastic paraplegia 57, autosomal recessive. Identifiers: Orphanet 431329, MedGen C3714897, MONDO:0014295, OMIM 615658.

Submission:

Labcorp Genetics (formerly Invitae), Labcorp
Classification: Uncertain significance for Hereditary motor and sensory neuropathy, Okinawa type; Hereditary spastic paraplegia 57. Last evaluated: 2023-09-08. Review status: criteria provided, single submitter. Criteria: Invitae Variant Classification Sherloc (09022015). Collection method: clinical testing. Allele origin: germline.
Comment: This variant is not present in population databases (gnomAD no frequency). This sequence change replaces threonine, which is neutral and polar, with alanine, which is neutral and non-polar, at codon 337 of the TFG protein (p.Thr337Ala). This variant has not been reported in the literature in individuals affected with TFG-related conditions. In summary, the available evidence is currently insufficient to determine the role of this variant in disease. Therefore, it has been classified as a Variant of Uncertain Significance. Advanced modeling of protein sequence and biophysical properties (such as structural, functional, and spatial information, amino acid conservation, physicochemical variation, residue mobility, and thermodynamic stability) performed at Invitae indicates that this missense variant is not expected to disrupt TFG protein function.

NM_006070.6(TFG):c.1009A>G (p.Thr337Ala)

Gene: TFG (trafficking from ER to golgi regulator; plus strand). Cytogenetic location: 3q12.2.
Variant type: single nucleotide variant.
Coding change: c.1009A>G on transcript NM_006070.6 (MANE Select); coding-DNA position 1009, A replaced by G.
Protein change: p.Thr337Ala; replaces threonine 337 with alanine.
Molecular consequence: missense variant.
Genome position (GRCh38, 1-based): chr3:100,748,337, A>G. VCF-style: chr3-100748337-A-G. GRCh37 (hg19) VCF-style: chr3-100467181-A-G.
Other names: c.1009A>G, p.Thr337Ala (NM_001007565.2, NM_001195478.2); c.997A>G, p.Thr333Ala (NM_001195479.2); short protein forms T333A, T337A.
Identifiers: ClinVar variation 2924931 (VCV002924931.3), dbSNP rs2472158225, ClinGen allele CA353854148.